The following is an entry in ClinVar:

ClinVar aggregate classification (germline): Uncertain significance. Review status: criteria provided, multiple submitters, no conflicts (2 of 4 stars). 2 submissions from 2 submitters: Uncertain significance (2). Last evaluated 2025-11-01.

Conditions:
Nemaline myopathy 8 (NEM8). Also called: Nemaline myopathy 8, autosomal recessive. Identifiers: Orphanet 171430, MedGen C3809209, MONDO:0014138, OMIM 615348.

Allele frequency attached by ClinVar (database versions not stated): gnomAD 0.00001; ExAC 0.00009.
gnomAD v4.1: 32 of 1,556,294 alleles (0.0021%); highest among the groups gnomAD compares: Non-Finnish European, 0.0023%; no homozygotes.

Submissions (2):

CeGaT Center for Human Genetics Tuebingen
Classification: Uncertain significance. Last evaluated: 2025-11-01. Review status: criteria provided, single submitter. Criteria: CeGaT Center For Human Genetics Tuebingen Variant Classification Criteria Version 2. Collection method: clinical testing. Allele origin: germline. Affected: yes. Observed: 1 variant allele.
Comment: KLHL40: PM2

Labcorp Genetics (formerly Invitae), Labcorp
Classification: Uncertain significance for Nemaline myopathy 8. Last evaluated: 2022-02-04. Review status: criteria provided, single submitter. Criteria: Invitae Variant Classification Sherloc (09022015). Collection method: clinical testing. Allele origin: germline.
Comment: This sequence change replaces serine, which is neutral and polar, with glycine, which is neutral and non-polar, at codon 204 of the KLHL40 protein (p.Ser204Gly). This variant is present in population databases (rs560260717, gnomAD 0.009%). This variant has not been reported in the literature in individuals affected with KLHL40-related conditions. ClinVar contains an entry for this variant (Variation ID: 836423). Algorithms developed to predict the effect of missense changes on protein structure and function output the following: SIFT: "Tolerated"; PolyPhen-2: "Benign"; Align-GVGD: "Class C0". The glycine amino acid residue is found in multiple mammalian species, which suggests that this missense change does not adversely affect protein function. In summary, the available evidence is currently insufficient to determine the role of this variant in disease. Therefore, it has been classified as a Variant of Uncertain Significance.

NM_152393.4(KLHL40):c.610A>G (p.Ser204Gly)

Gene: KLHL40 (kelch like family member 40; plus strand). Cytogenetic location: 3p22.1.
Variant type: single nucleotide variant.
Coding change: c.610A>G on transcript NM_152393.4 (MANE Select); coding-DNA position 610, A replaced by G.
Protein change: p.Ser204Gly; replaces serine 204 with glycine.
Molecular consequence: missense variant.
Genome position (GRCh38, 1-based): chr3:42,686,228, A>G. VCF-style: chr3-42686228-A-G. GRCh37 (hg19) VCF-style: chr3-42727720-A-G.
Other names: short protein forms S204G.
Identifiers: ClinVar variation 836423 (VCV000836423.9), dbSNP rs560260717, ClinGen allele CA2336698.